The following is an entry in ClinVar:

NM_006231.4(POLE):c.4193_4194del (p.Leu1397_Tyr1398insTer)

Gene: POLE (DNA polymerase epsilon, catalytic subunit; minus strand). Cytogenetic location: 12q24.33.
Variant type: Deletion.
Coding change: c.4193_4194del on transcript NM_006231.4 (MANE Select); coding-DNA positions 4193 to 4194, 2 bases deleted (AT; older notation c.4193_4194delAT).
Protein change: p.Leu1397_Tyr1398insTer.
Molecular consequence: nonsense.
Genome position (GRCh38, 1-based): chr12:132,643,933-132,643,934, AT deleted on the plus strand (AT on the coding strand, the reverse complement: POLE is on the minus strand); deleting any 2 consecutive bases within chr12:132,643,933-132,643,935 gives the same sequence; the c. name uses the placement nearest the transcript's 3' end. VCF-style (leftmost placement, unchanged base first): chr12-132643932-CAT-C. GRCh37 (hg19) VCF-style: chr12-133220518-CAT-C.
Other names: c.4193_4194delAT (NM_006231.2, NM_006231.3).
Identifiers: ClinVar variation 540820 (VCV000540820.11), dbSNP rs1323151304, ClinGen allele CA608514131.
Genomic context (GRCh38, chr12:132,643,932, plus strand): 5'-ACAGCTCAGCGTTGATCTCGTTGATGTGTTCCTGGTACATGTCCTCTGGCACTGAATACT[CAT>C]AGAGATTGTAGACCATGTTGGAGCGAGGAAGGACCCGATTTACCTGGCGAGAATACGACG-3'

ClinVar aggregate classification (germline): Conflicting classifications of pathogenicity. Review status: criteria provided, conflicting classifications (1 of 4 stars). 2 submissions from 2 submitters: Pathogenic (1); Uncertain significance (1). Last evaluated 2025-11-10.

Conditions:
Hereditary cancer-predisposing syndrome. Also called: Neoplastic Syndromes, Hereditary; Hereditary Cancer Syndrome; Hereditary neoplastic syndrome; Tumor predisposition. Identifiers: Orphanet 140162, MedGen C0027672, MeSH D009386, MONDO:0015356.

Submissions (2):

Labcorp Genetics (formerly Invitae), Labcorp
Classification: Pathogenic. Last evaluated: 2025-11-10. Review status: criteria provided, single submitter. Criteria: Invitae Variant Classification Sherloc (09022015). Collection method: clinical testing. Allele origin: germline.
Comment: This sequence change creates a premature translational stop signal (p.Tyr1398*) in the POLE gene. It is expected to result in an absent or disrupted protein product. Loss-of-function variants in POLE are known to be pathogenic (PMID: 23230001, 25948378, 30503519). This variant is present in population databases (no rsID available, gnomAD 0.0009%). This variant has not been reported in the literature in individuals affected with POLE-related conditions. ClinVar contains an entry for this variant (Variation ID: 540820). For these reasons, this variant has been classified as Pathogenic.

Ambry Genetics
Classification: Uncertain significance for Hereditary cancer-predisposing syndrome. Last evaluated: 2025-02-05. Review status: criteria provided, single submitter. Criteria: Ambry Variant Classification Scheme 2023. Collection method: clinical testing. Allele origin: germline.
Comment: The c.4193_4194delAT variant, located in coding exon 33 of the POLE gene, results from a deletion of two nucleotides at nucleotide positions 4193 to 4194, causing a translational frameshift with a predicted alternate stop codon (p.Y1398*). This alteration is expected to result in loss of function by premature protein truncation or nonsense-mediated mRNA decay. Although biallelic loss of function of POLE has been associated with autosomal recessive POLE deficiency, haploinsufficiency of POLE has not been established as a mechanism of disease for POLE-related polymerase proofreading-associated polyposis (PPAP) and POLE-related CMMRD-like syndrome. Based on the supporting evidence, this variant is expected to be causative of POLE deficiency when present along with a second pathogenic variant on the other allele; however, its clinical significance for PPAP and POLE-related CMMRD-like syndrome is unclear.

Literature cited by the submitters: PubMed 23230001 (cited by Labcorp Genetics (formerly Invitae), Labcorp); PubMed 25948378 (cited by Labcorp Genetics (formerly Invitae), Labcorp); PubMed 30503519 (cited by Labcorp Genetics (formerly Invitae), Labcorp); PubMed 31822785 (cited by Ambry Genetics).